The following is an entry in ClinVar:

ClinVar aggregate classification (germline): Uncertain significance (1 of 4 stars; one submission).

Conditions:
Hypertrophic cardiomyopathy. Also called: HYPERTROPHIC MYOCARDIOPATHY. Identifiers: Orphanet 217569, MedGen C0007194, MeSH D002312, MONDO:0005045, HP:0001639.

Submission:

Labcorp Genetics (formerly Invitae), Labcorp
Classification: Uncertain significance for Hypertrophic cardiomyopathy. Last evaluated: 2022-07-05. Review status: criteria provided, single submitter. Criteria: Invitae Variant Classification Sherloc (09022015). Collection method: clinical testing. Allele origin: germline.
Comment: This sequence change replaces lysine, which is basic and polar, with arginine, which is basic and polar, at codon 1771 of the MYH7 protein (p.Lys1771Arg). This variant is not present in population databases (gnomAD no frequency). This variant has not been reported in the literature in individuals affected with MYH7-related conditions. ClinVar contains an entry for this variant (Variation ID: 1400275). Algorithms developed to predict the effect of missense changes on protein structure and function are either unavailable or do not agree on the potential impact of this missense change (SIFT: "Deleterious"; PolyPhen-2: "Possibly Damaging"; Align-GVGD: "Class C0"). In summary, the available evidence is currently insufficient to determine the role of this variant in disease. Therefore, it has been classified as a Variant of Uncertain Significance.

NM_000257.4(MYH7):c.5312A>G (p.Lys1771Arg)

Gene: MYH7 (myosin heavy chain 7; minus strand). Cytogenetic location: 14q11.2.
Variant type: single nucleotide variant.
Coding change: c.5312A>G on transcript NM_000257.4 (MANE Select); coding-DNA position 5312, A replaced by G.
Protein change: p.Lys1771Arg; replaces lysine 1771 with arginine.
Molecular consequence: missense variant.
Genome position (GRCh38, 1-based): chr14:23,415,242, T>C on the plus strand (A>G on the coding strand, the complement: MYH7 is on the minus strand). VCF-style: chr14-23415242-T-C. GRCh37 (hg19) VCF-style: chr14-23884451-T-C.
Other names: short protein forms K1771R.
Identifiers: ClinVar variation 1400275 (VCV001400275.8), dbSNP rs2138638747, ClinGen allele CA389035872.